The following is an entry in ClinVar:

ClinVar aggregate classification (germline): Uncertain significance (1 of 4 stars; one submission).

Submission:

Labcorp Genetics (formerly Invitae), Labcorp
Classification: Uncertain significance. Last evaluated: 2023-09-30. Review status: criteria provided, single submitter. Criteria: Invitae Variant Classification Sherloc (09022015). Collection method: clinical testing. Allele origin: germline.
Comment: This variant has not been reported in the literature in individuals affected with ABCA4-related conditions. This variant is present in population databases (rs759064844, gnomAD 0.03%). This sequence change replaces methionine, which is neutral and non-polar, with valine, which is neutral and non-polar, at codon 1024 of the ABCA4 protein (p.Met1024Val). Advanced modeling of protein sequence and biophysical properties (such as structural, functional, and spatial information, amino acid conservation, physicochemical variation, residue mobility, and thermodynamic stability) performed at Invitae indicates that this missense variant is not expected to disrupt ABCA4 protein function. In summary, the available evidence is currently insufficient to determine the role of this variant in disease. Therefore, it has been classified as a Variant of Uncertain Significance. This variant disrupts the p.Met1024 amino acid residue in ABCA4. Other variant(s) that disrupt this residue have been observed in individuals with ABCA4-related conditions (PMID: 25474345; Invitae), which suggests that this may be a clinically significant amino acid residue.

Literature cited by the submitters: PubMed 25474345.

NM_000350.3(ABCA4):c.3070A>G (p.Met1024Val)

Gene: ABCA4 (ATP binding cassette subfamily A member 4; minus strand). Cytogenetic location: 1p22.1.
Variant type: single nucleotide variant.
Coding change: c.3070A>G on transcript NM_000350.3 (MANE Select); coding-DNA position 3070, A replaced by G.
Protein change: p.Met1024Val; replaces methionine 1024 with valine.
Molecular consequence: missense variant.
Genome position (GRCh38, 1-based): chr1:94,043,456, T>C on the plus strand (A>G on the coding strand, the complement: ABCA4 is on the minus strand). VCF-style: chr1-94043456-T-C. GRCh37 (hg19) VCF-style: chr1-94509012-T-C.
Other names: c.2848A>G, p.Met950Val (NM_001425324.1); short protein forms M1024V, M950V.
Identifiers: ClinVar variation 2981522 (VCV002981522.3), dbSNP rs759064844, ClinGen allele CA958049.